The following is an entry in ClinVar:

NC_000006.11:g.(?_162206784)_(162206960_?)dup

Gene: PRKN (parkin RBR E3 ubiquitin protein ligase; minus strand). Cytogenetic location: 6q26.
Variant type: Duplication.
Identifiers: ClinVar variation 639364 (VCV000639364.1).

ClinVar aggregate classification (germline): Pathogenic (1 of 4 stars; one submission).

Conditions:
Autosomal recessive juvenile Parkinson disease 2. Also called: Parkinson disease autosomal recessive, early onset; Juvenile parkinsonism; Parkinsonism, early onset, with diurnal fluctuation; PRKN-Related Early-Onset Parkinson Disease; Parkinson disease, juvenile, type 2; PARKINSON DISEASE, JUVENILE, AUTOSOMAL RECESSIVE. Identifiers: Orphanet 2828, MedGen C1868675, MONDO:0010820, OMIM 600116.

Submission:

Labcorp Genetics (formerly Invitae), Labcorp
Classification: Pathogenic for Parkinson disease 2. Last evaluated: 2018-08-06. Review status: criteria provided, single submitter. Criteria: Invitae Variant Classification Sherloc (09022015). Collection method: clinical testing. Allele origin: germline.
Comment: This variant results in a copy number gain of the genomic region encompassing exon 7 of the PARK2 gene. While the exact position of this variant cannot be determined from this data, sub-genic copy number gains are generally in tandem (PMID: 25640679) and may result in an absent or disrupted protein product. Similar copy number gains of exon 7 have been observedÂ¬â€ in combination with orÂ¬â€ on the opposite chromosome (in trans) from other pathogenic variants in individuals and families affected with early-onset Parkinsonâ€šÃ„Ã´s disease (PMID:Â¬â€ 11889248,Â¬â€ 21993715), and have also been observed to segregate with disease in affected families (PMID:Â¬â€ 21993715). Loss-of-function variants in PARK2 are known to be pathogenic (PMID: 10072423, 20301651, 22956510). For these reasons, this variant has been classified as Pathogenic.